The following is an entry in ClinVar:

NM_152383.5(DIS3L2):c.427G>A (p.Glu143Lys)

Gene: DIS3L2 (DIS3 like 3'-5' exoribonuclease 2; plus strand). Cytogenetic location: 2q37.1.
Variant type: single nucleotide variant.
Coding change: c.427G>A on transcript NM_152383.5 (MANE Select); coding-DNA position 427, G replaced by A.
Protein change: p.Glu143Lys; replaces glutamic acid 143 with lysine.
Molecular consequence: missense variant. On other transcripts: non-coding transcript variant (2).
Genome position (GRCh38, 1-based): chr2:232,087,547, G>A. VCF-style: chr2-232087547-G-A. GRCh37 (hg19) VCF-style: chr2-232952257-G-A.
Other names: c.427G>A, p.Glu143Lys (NM_001257281.2, NM_001257282.2); short protein forms E143K.
Identifiers: ClinVar variation 943288 (VCV000943288.9), dbSNP rs918006252, ClinGen allele CA67506784.
Genomic context (GRCh38, chr2:232,087,547, plus strand): 5'-GTAGTTAAACCAGAGAGCAATGACAAAGAAACAGAAGCTGCGTATGAATCAGATATCCCC[G>A]AGGAGCTCTGTGGACACCATCTCCCGCAACAGTCCCTGAAAAGCTATAATGACAGTCCTG-3'
Protein context (NP_689596.4, residues 133-153): TEAAYESDIP[Glu143Lys]ELCGHHLPQQ

ClinVar aggregate classification (germline): Uncertain significance (1 of 4 stars; one submission).

Conditions:
Perlman syndrome (PRLMNS). Identifiers: Orphanet 2849, MedGen C0796113, MONDO:0009965, OMIM 267000.

Allele frequency attached by ClinVar (database versions not stated): gnomAD exomes below 0.00001; TOPMed 0.00002.
gnomAD v4.1: 2 of 1,613,854 alleles (0.00012%); highest among the groups gnomAD compares: Non-Finnish European, 0.00017%; no homozygotes.

Submission:

Labcorp Genetics (formerly Invitae), Labcorp
Classification: Uncertain significance for Perlman syndrome. Last evaluated: 2023-03-26. Review status: criteria provided, single submitter. Criteria: Invitae Variant Classification Sherloc (09022015). Collection method: clinical testing. Allele origin: germline.
Comment: ClinVar contains an entry for this variant (Variation ID: 943288). This sequence change replaces glutamic acid, which is acidic and polar, with lysine, which is basic and polar, at codon 143 of the DIS3L2 protein (p.Glu143Lys). This variant is not present in population databases (gnomAD no frequency). This variant has not been reported in the literature in individuals affected with DIS3L2-related conditions. An algorithm developed to predict the effect of missense changes on protein structure and function (PolyPhen-2) suggests that this variant is likely to be tolerated. In summary, the available evidence is currently insufficient to determine the role of this variant in disease. Therefore, it has been classified as a Variant of Uncertain Significance.